The following is an entry in ClinVar:

NM_000492.4(CFTR):c.4264C>G (p.Arg1422Gly)

Genes: CFTR (CF transmembrane conductance regulator; plus strand), LOC111674477 (CFTR intron 23 enhancer; plus strand). Cytogenetic location: 7q31.2.
Variant type: single nucleotide variant.
Coding change: c.4264C>G on transcript NM_000492.4 (MANE Select); coding-DNA position 4264, C replaced by G.
Protein change: p.Arg1422Gly; replaces arginine 1422 with glycine.
Molecular consequence: missense variant.
Genome position (GRCh38, 1-based): chr7:117,666,929, C>G. VCF-style: chr7-117666929-C-G. GRCh37 (hg19) VCF-style: chr7-117306983-C-G.
Other names: short protein forms R1422G.
Identifiers: ClinVar variation 1739193 (VCV001739193.2), dbSNP rs373172017, ClinGen allele CA368984462.

ClinVar aggregate classification (germline): Uncertain significance (1 of 4 stars; one submission).

Conditions:
Cystic fibrosis (CF). Also called: MUCOVISCIDOSIS. Identifiers: Orphanet 586, MedGen C0010674, MONDO:0009061, OMIM 219700. Disease mechanism: loss of function.

Submission:

Ambry Genetics
Classification: Uncertain significance for Cystic fibrosis. Last evaluated: 2022-08-16. Review status: criteria provided, single submitter. Criteria: Ambry Variant Classification Scheme 2023. Collection method: clinical testing. Allele origin: germline.
Comment: The p.R1422G variant (also known as c.4264C>G), located in coding exon 27 of the CFTR gene, results from a C to G substitution at nucleotide position 4264. The arginine at codon 1422 is replaced by glycine, an amino acid with dissimilar properties. This amino acid position is conserved. In addition, the in silico prediction for this alteration is inconclusive. Since supporting evidence is limited at this time, the clinical significance of this alteration remains unclear.